The following is an entry in ClinVar:

ClinVar aggregate classification (germline): Uncertain significance (1 of 4 stars; one submission).

Conditions:
Spermatogenic failure 31. Identifiers: MedGen C4748234, MONDO:0020852, OMIM 618112.

gnomAD v4.1: 3 of 1,613,472 alleles (0.00019%); highest among the groups gnomAD compares: Admixed American, 0.0017%; no homozygotes.

Submission:

3billion
Classification: Uncertain significance for Spermatogenic failure 31. Last evaluated: 2025-10-28. Review status: criteria provided, single submitter. Criteria: ACMG Guidelines, 2015. Collection method: clinical testing. Allele origin: germline. Affected: yes.
Comment: The variant is observed at an extremely low frequency in the gnomAD v4.1.0 dataset (total allele frequency: <0.001%). Predicted Consequence/Location: Intron variant In silico tools predict the variant to alter splicing and produce an abnormal transcript [SpliceAI: 0.54 (>=0.2, moderate evidence for spliceogenicity)]. Therefore, this variant is classified as VUS according to the recommendation of ACMG/AMP guideline.

NM_031293.3(PMFBP1):c.2693+7A>G

Gene: PMFBP1 (polyamine modulated factor 1 binding protein 1; minus strand). Cytogenetic location: 16q22.2.
Variant type: single nucleotide variant.
Coding change: c.2693+7A>G on transcript NM_031293.3 (MANE Select); 7 bases into the intron after coding-DNA position 2693, A replaced by G.
Molecular consequence: intron variant.
Genome position (GRCh38, 1-based): chr16:72,123,539, T>C on the plus strand (A>G on the coding strand, the complement: PMFBP1 is on the minus strand). VCF-style: chr16-72123539-T-C. GRCh37 (hg19) VCF-style: chr16-72157438-T-C.
Other names: c.2258+7A>G (NM_001160213.2).
Identifiers: ClinVar variation 4855192 (VCV004855192.1).